The following is an entry in ClinVar:

ClinVar aggregate classification (germline): Likely benign. Review status: criteria provided, multiple submitters, no conflicts (2 of 4 stars). 3 submissions from 3 submitters: Likely benign (3). Last evaluated 2025-12-05.

Conditions:
Inborn genetic diseases. Identifiers: MedGen C0950123, MeSH D030342.

Allele frequency attached by ClinVar (database versions not stated): gnomAD 0.00006 and 0.00007; TOPMed 0.00009; ESP Exome Variant Server 0.00031.
gnomAD v4.1: 155 of 1,613,116 alleles (0.0096%); highest among the groups gnomAD compares: Middle Eastern, 0.033%; 1 homozygote.

Submissions (3):

Labcorp Genetics (formerly Invitae), Labcorp
Classification: Likely benign. Last evaluated: 2025-12-05. Review status: criteria provided, single submitter. Criteria: Invitae Variant Classification Sherloc (09022015). Collection method: clinical testing. Allele origin: germline.

CeGaT Center for Human Genetics Tuebingen
Classification: Likely benign. Last evaluated: 2025-10-01. Review status: criteria provided, single submitter. Criteria: CeGaT Center For Human Genetics Tuebingen Variant Classification Criteria Version 2. Collection method: clinical testing. Allele origin: germline. Affected: yes. Observed: 4 variant alleles.
Comment: RHOBTB2: PP2, BS2

Ambry Genetics
Classification: Likely benign for Inborn genetic diseases. Last evaluated: 2024-06-28. Review status: criteria provided, single submitter. Criteria: Ambry Variant Classification Scheme 2023. Collection method: clinical testing. Allele origin: germline.

NM_015178.3(RHOBTB2):c.406A>G (p.Ile136Val)

Gene: RHOBTB2 (Rho related BTB domain containing 2; plus strand). Cytogenetic location: 8p21.3.
Variant type: single nucleotide variant.
Coding change: c.406A>G on transcript NM_015178.3 (MANE Select); coding-DNA position 406, A replaced by G.
Protein change: p.Ile136Val; replaces isoleucine 136 with valine.
Molecular consequence: missense variant.
Genome position (GRCh38, 1-based): chr8:23,006,069, A>G. VCF-style: chr8-23006069-A-G. GRCh37 (hg19) VCF-style: chr8-22863582-A-G.
Other names: c.472A>G (NM_001160036.1); c.472A>G, p.Ile158Val (NM_001160036.2); c.427A>G, p.Ile143Val (NM_001160037.2); c.406A>G, p.Ile136Val (NM_001374791.1); short protein forms I136V, I143V, I158V.
Identifiers: ClinVar variation 1584740 (VCV001584740.40), dbSNP rs141992570, ClinGen allele CA4672448.